The following is an entry in ClinVar:

NM_001278116.2(L1CAM):c.704T>C (p.Met235Thr)

Gene: L1CAM (L1 cell adhesion molecule; minus strand). Cytogenetic location: Xq28.
Variant type: single nucleotide variant.
Coding change: c.704T>C on transcript NM_001278116.2 (MANE Select); coding-DNA position 704, T replaced by C.
Protein change: p.Met235Thr; replaces methionine 235 with threonine.
Molecular consequence: missense variant.
Genome position (GRCh38, 1-based): chrX:153,870,490, A>G on the plus strand (T>C on the coding strand, the complement: L1CAM is on the minus strand). VCF-style: chrX-153870490-A-G. GRCh37 (hg19) VCF-style: chrX-153135945-A-G.
Other names: c.704T>C, p.Met235Thr (NM_000425.5, NM_024003.3); c.689T>C, p.Met230Thr (NM_001143963.2); short protein forms M235T, M230T.
Identifiers: ClinVar variation 432023 (VCV000432023.6), dbSNP rs1557092782, ClinGen allele CA415133522.

ClinVar aggregate classification (germline): Conflicting classifications of pathogenicity. Review status: criteria provided, conflicting classifications (1 of 4 stars). 2 submissions from 2 submitters: Uncertain significance (1); Likely benign (1). Last evaluated 2021-03-12.

Conditions:
X-linked hydrocephalus syndrome (HYCX). Also called: HYDROCEPHALUS, CONGENITAL, X-LINKED; X-Linked Hydrocephalus with Stenosis of the Aqueduct of Sylvius; AQUEDUCTAL STENOSIS, X-LINKED; X-Linked Hydrocephalus with Stenosis of the Aqueduct of Sylvius (HSAS); X-linked hydrocephalus. Identifiers: Orphanet 2182, MedGen C0265216, MONDO:0010611, OMIM 307000.

Submissions (2):

GeneDx
Classification: Likely benign. Last evaluated: 2021-03-12. Review status: criteria provided, single submitter. Criteria: GeneDx Variant Classification Process June 2021. Collection method: clinical testing. Allele origin: germline. Affected: yes.
Comment: In silico analysis supports that this missense variant does not alter protein structure/function; Has not been previously published as pathogenic or benign to our knowledge

Geisinger Autism and Developmental Medicine Institute, Geisinger Health System
Classification: Uncertain significance for X-linked hydrocephalus syndrome. Last evaluated: 2018-03-06. Review status: criteria provided, single submitter. Criteria: ACMG Guidelines, 2015. Collection method: provider interpretation, clinical testing. Allele origin: maternal. Observed: 1 variant allele.
Comment: This variant is absent from the gnomAD database. Computational prediction models are inconsistent. This variant has not been reported previously in the literature, to our knowledge. Additionally, whole exome sequencing also identified two additional variants of uncertain significance.